The following is an entry in ClinVar:

NM_001278669.2(NFATC1):c.269G>T (p.Gly90Val)

Gene: NFATC1 (nuclear factor of activated T cells 1; plus strand). Cytogenetic location: 18q23.
Variant type: single nucleotide variant.
Coding change: c.269G>T on transcript NM_001278669.2 (MANE Select); coding-DNA position 269, G replaced by T.
Protein change: p.Gly90Val; replaces glycine 90 with valine.
Molecular consequence: missense variant. On other transcripts: intron variant (2).
Genome position (GRCh38, 1-based): chr18:79,410,544, G>T. VCF-style: chr18-79410544-G-T. GRCh37 (hg19) VCF-style: chr18-77170544-G-T.
Other names: c.269G>T, p.Gly90Val (NM_001278670.2, NM_006162.5, NM_172390.3); c.230G>T, p.Gly77Val (NM_001278672.2, NM_001278675.2, NM_172387.3 and 1 more transcripts); c.-191+14193G>T (NM_172388.3); c.-191+10065G>T (NM_001278673.2); short protein forms G90V, G77V.
Identifiers: ClinVar variation 1940839 (VCV001940839.5), dbSNP rs1291703383, ClinGen allele CA402826336.
Genomic context (GRCh38, chr18:79,410,544, plus strand): 5'-ACAACCTTCAGACCTCCACACCGGGCATCATCCCGCCGGCGGATCACCCCTCGGGGTACG[G>T]AGCAGCTTTGGACGGTGGGCCCGCGGGCTACTTCCTCTCCTCCGGCCACACCAGGCCTGA-3'
Protein context (NP_001265598.1, residues 80-100): IPPADHPSGY[Gly90Val]AALDGGPAGY

ClinVar aggregate classification (germline): Uncertain significance (1 of 4 stars; one submission).

Submission:

Labcorp Genetics (formerly Invitae), Labcorp
Classification: Uncertain significance. Last evaluated: 2022-08-28. Review status: criteria provided, single submitter. Criteria: Invitae Variant Classification Sherloc (09022015). Collection method: clinical testing. Allele origin: germline.
Comment: This variant is not present in population databases (gnomAD no frequency). In summary, the available evidence is currently insufficient to determine the role of this variant in disease. Therefore, it has been classified as a Variant of Uncertain Significance. Algorithms developed to predict the effect of missense changes on protein structure and function are either unavailable or do not agree on the potential impact of this missense change (SIFT: "Deleterious"; PolyPhen-2: "Possibly Damaging"; Align-GVGD: "Class C0"). This variant has not been reported in the literature in individuals affected with NFATC1-related conditions. This sequence change replaces glycine, which is neutral and non-polar, with valine, which is neutral and non-polar, at codon 90 of the NFATC1 protein (p.Gly90Val).